The following is an entry in ClinVar:

ClinVar aggregate classification (germline): Uncertain significance (1 of 4 stars; one submission).

Conditions:
Autosomal dominant nocturnal frontal lobe epilepsy 5. Also called: CILIARY DYSKINESIA, PRIMARY, 28, WITH SITUS INVERSUS; KCNT1-Related Epilepsy; CILIARY DYSKINESIA, PRIMARY, 28, WITHOUT SITUS INVERSUS; Epilepsy, nocturnal frontal lobe, 5. Identifiers: Orphanet 98784, MedGen C3554306, MONDO:0014002, OMIM 615005.
Developmental and epileptic encephalopathy, 14 (DEE14). Also called: Early infantile epileptic encephalopathy 14. Identifiers: Orphanet 293181, MedGen C3554195, MONDO:0013989, OMIM 614959.

Submission:

Labcorp Genetics (formerly Invitae), Labcorp
Classification: Uncertain significance for Autosomal dominant nocturnal frontal lobe epilepsy 5; Developmental and epileptic encephalopathy, 14. Last evaluated: 2021-08-26. Review status: criteria provided, single submitter. Criteria: Invitae Variant Classification Sherloc (09022015). Collection method: clinical testing. Allele origin: germline.
Comment: This variant, c.2648_2650del, results in the deletion of 1 amino acid(s) of the KCNT1 protein (p.Val883del), but otherwise preserves the integrity of the reading frame. In summary, the available evidence is currently insufficient to determine the role of this variant in disease. Therefore, it has been classified as a Variant of Uncertain Significance. Experimental studies and prediction algorithms are not available or were not evaluated, and the functional significance of this variant is currently unknown. This variant has not been reported in the literature in individuals affected with KCNT1-related conditions. This variant is not present in population databases (ExAC no frequency).

NM_020822.3(KCNT1):c.2639TGG[3] (p.Val883del)

Gene: KCNT1 (potassium sodium-activated channel subfamily T member 1; plus strand). Cytogenetic location: 9q34.3.
Variant type: Microsatellite.
Coding change: c.2639TGG[3] on transcript NM_020822.3 (MANE Select); three copies in a row of the 3-base unit TGG starting at c.2639; the reference has four copies in a row; one copy, 3 bases deleted.
Protein change: p.Val883del; deletes valine 883.
Molecular consequence: inframe deletion.
Genome position (GRCh38, 1-based): chr9:135,778,741-135,778,743, TGG deleted; deleting any 3 consecutive bases within chr9:135,778,732-135,778,743 gives the same sequence; the position shown is the placement nearest the transcript's 3' end. VCF-style (leftmost placement, unchanged base first): chr9-135778731-CTGG-C. GRCh37 (hg19) VCF-style: chr9-138670577-CTGG-C.
Other names: c.2504TGG[3], p.Val838del (NM_001272003.2); short protein forms V838del, V883del.
Identifiers: ClinVar variation 1377617 (VCV001377617.6), dbSNP rs2131549532, ClinGen allele CA2580617148.